The following is an entry in ClinVar:

ClinVar aggregate classification (germline): Uncertain significance (1 of 4 stars; one submission).

Conditions:
Autosomal dominant epilepsy with auditory features. Identifiers: Orphanet 101046, MedGen C1838062, MONDO:0010898.

Allele frequency attached by ClinVar (database versions not stated): gnomAD exomes below 0.00001.
gnomAD v4.1: 6 of 1,614,210 alleles (0.00037%); highest among the groups gnomAD compares: Non-Finnish European, 0.00025%; no homozygotes.

Submission:

Labcorp Genetics (formerly Invitae), Labcorp
Classification: Uncertain significance for Autosomal dominant epilepsy with auditory features. Last evaluated: 2023-05-22. Review status: criteria provided, single submitter. Criteria: Invitae Variant Classification Sherloc (09022015). Collection method: clinical testing. Allele origin: germline.
Comment: This sequence change replaces asparagine, which is neutral and polar, with serine, which is neutral and polar, at codon 428 of the LGI1 protein (p.Asn428Ser). This variant has not been reported in the literature in individuals affected with LGI1-related conditions. In summary, the available evidence is currently insufficient to determine the role of this variant in disease. Therefore, it has been classified as a Variant of Uncertain Significance. Advanced modeling of protein sequence and biophysical properties (such as structural, functional, and spatial information, amino acid conservation, physicochemical variation, residue mobility, and thermodynamic stability) performed at Invitae indicates that this missense variant is not expected to disrupt LGI1 protein function. ClinVar contains an entry for this variant (Variation ID: 654275). This variant is not present in population databases (gnomAD no frequency).

NM_005097.4(LGI1):c.1283A>G (p.Asn428Ser)

Gene: LGI1 (leucine rich glioma inactivated 1; plus strand). Cytogenetic location: 10q23.33.
Variant type: single nucleotide variant.
Coding change: c.1283A>G on transcript NM_005097.4 (MANE Select); coding-DNA position 1283, A replaced by G.
Protein change: p.Asn428Ser; replaces asparagine 428 with serine.
Molecular consequence: missense variant. On other transcripts: non-coding transcript variant (1), intron variant (1).
Genome position (GRCh38, 1-based): chr10:93,797,412, A>G. VCF-style: chr10-93797412-A-G. GRCh37 (hg19) VCF-style: chr10-95557169-A-G.
Other names: c.1139A>G, p.Asn380Ser (NM_001308276.2); c.839-337A>G (NM_001308275.2); short protein forms N428S, N380S.
Identifiers: ClinVar variation 654275 (VCV000654275.10), dbSNP rs1589775967, ClinGen allele CA377628864.